The following is an entry in ClinVar:

NM_021728.4(OTX2):c.225G>A (p.Met75Ile)

Gene: OTX2 (orthodenticle homeobox 2; minus strand). Cytogenetic location: 14q22.3.
Variant type: single nucleotide variant.
Coding change: c.225G>A on transcript NM_021728.4 (MANE Select); coding-DNA position 225, G replaced by A.
Protein change: p.Met75Ile; replaces methionine 75 with isoleucine.
Molecular consequence: missense variant.
Genome position (GRCh38, 1-based): chr14:56,804,236, C>T on the plus strand (G>A on the coding strand, the complement: OTX2 is on the minus strand). VCF-style: chr14-56804236-C-T. GRCh37 (hg19) VCF-style: chr14-57270954-C-T.
Other names: c.201G>A, p.Met67Ile (NM_001270523.2, NM_001270524.2, NM_172337.3); c.225G>A, p.Met75Ile (NM_001270525.2); short protein forms M75I, M67I.
Identifiers: ClinVar variation 2802863 (VCV002802863.3), dbSNP rs2503907358, ClinGen allele CA390052343.

ClinVar aggregate classification (germline): Uncertain significance (1 of 4 stars; one submission).

Conditions:
Anophthalmia-microphthalmia syndrome. Also called: Anophthalmia - microphthalmia; Anophthalmia/Microphthalmia. Identifiers: Orphanet 98555, MedGen C5680330, MONDO:0020147.

Submission:

Labcorp Genetics (formerly Invitae), Labcorp
Classification: Uncertain significance for Anophthalmia-microphthalmia syndrome. Last evaluated: 2023-08-22. Review status: criteria provided, single submitter. Criteria: Invitae Variant Classification Sherloc (09022015). Collection method: clinical testing. Allele origin: germline.
Comment: This variant has not been reported in the literature in individuals affected with OTX2-related conditions. In summary, the available evidence is currently insufficient to determine the role of this variant in disease. Therefore, it has been classified as a Variant of Uncertain Significance. An algorithm developed to predict the effect of missense changes on protein structure and function (PolyPhen-2) suggests that this variant is likely to be disruptive. This variant is not present in population databases (gnomAD no frequency). This sequence change replaces methionine, which is neutral and non-polar, with isoleucine, which is neutral and non-polar, at codon 67 of the OTX2 protein (p.Met67Ile).